The following is an entry in ClinVar:

ClinVar aggregate classification (germline): Uncertain significance. Review status: criteria provided, multiple submitters, no conflicts (2 of 4 stars). 2 submissions from 2 submitters: Uncertain significance (2). Last evaluated 2024-04-04.

Conditions:
Combined oxidative phosphorylation defect type 27. Also called: Combined oxidative phosphorylation deficiency 27. Identifiers: Orphanet 477774, MedGen C5567608, MONDO:0014728, OMIM 616672.

Allele frequency attached by ClinVar (database versions not stated): ExAC 0.00002; gnomAD exomes 0.00002 and 0.00004; gnomAD 0.00003 and 0.00004; TOPMed 0.00003; ESP Exome Variant Server 0.00008.
gnomAD v4.1: 68 of 1,613,946 alleles (0.0042%); highest among the groups gnomAD compares: Non-Finnish European, 0.0055%; no homozygotes.

Submissions (2):

Blueprint Genetics
Classification: Uncertain significance. Last evaluated: 2024-04-04. Review status: criteria provided, single submitter. Criteria: ACMG Guidelines, 2015. Collection method: clinical testing. Allele origin: germline.

Labcorp Genetics (formerly Invitae), Labcorp
Classification: Uncertain significance for Combined oxidative phosphorylation defect type 27. Last evaluated: 2021-07-09. Review status: criteria provided, single submitter. Criteria: Invitae Variant Classification Sherloc (09022015). Collection method: clinical testing. Allele origin: germline.
Comment: This sequence change results in a premature translational stop signal in the CARS2 gene (p.Trp550*). While this is not anticipated to result in nonsense mediated decay, it is expected to delete the last 15 amino acids of the CARS2 protein. This variant is present in population databases (rs375213252, ExAC 0.003%). This variant has not been reported in the literature in individuals with CARS2-related disease. Algorithms developed to predict the effect of sequence changes on RNA splicing suggest that this variant may create or strengthen a splice site, but this prediction has not been confirmed by published transcriptional studies. The current clinical and genetic evidence is not sufficient to establish whether loss-of-function variants in CARS2 cause disease. In summary, the available evidence is currently insufficient to determine the role of this variant in disease. Therefore, it has been classified as a Variant of Uncertain Significance.

NM_024537.4(CARS2):c.1649G>A (p.Trp550Ter)

Gene: CARS2 (cysteinyl-tRNA synthetase 2, mitochondrial; minus strand). Cytogenetic location: 13q34.
Variant type: single nucleotide variant.
Coding change: c.1649G>A on transcript NM_024537.4 (MANE Select); coding-DNA position 1649, G replaced by A.
Protein change: p.Trp550Ter; replaces tryptophan 550 with a stop codon.
Molecular consequence: nonsense. On other transcripts: non-coding transcript variant (2).
Genome position (GRCh38, 1-based): chr13:110,641,583, C>T on the plus strand (G>A on the coding strand, the complement: CARS2 is on the minus strand). VCF-style: chr13-110641583-C-T. GRCh37 (hg19) VCF-style: chr13-111293930-C-T.
Other names: c.863G>A, p.Trp288Ter (NM_001352252.2); short protein forms W550*, W288*.
Identifiers: ClinVar variation 577629 (VCV000577629.5), dbSNP rs375213252, ClinGen allele CA7051563.